The following is an entry in ClinVar:

ClinVar aggregate classification (germline): Uncertain significance. Review status: criteria provided, multiple submitters, no conflicts (2 of 4 stars). 2 submissions from 2 submitters: Uncertain significance (2). Last evaluated 2021-08-24.

Conditions:
Giant axonal neuropathy 1 (GAN1). Also called: GIANT AXONAL NEUROPATHY 1, AUTOSOMAL RECESSIVE; GAN-Related Neurodegeneration. Identifiers: Orphanet 643, MedGen C1850386, MONDO:0009749, OMIM 256850.

Allele frequency attached by ClinVar (database versions not stated): gnomAD 0.00001 and 0.00002; gnomAD exomes 0.00001; TOPMed 0.00001; ExAC 0.00002; ESP Exome Variant Server 0.00008.
gnomAD v4.1: 9 of 1,612,348 alleles (0.00056%); highest among the groups gnomAD compares: South Asian, 0.0011%; no homozygotes.

Submissions (2):

Labcorp Genetics (formerly Invitae), Labcorp
Classification: Uncertain significance for Giant axonal neuropathy 1. Last evaluated: 2021-08-24. Review status: criteria provided, single submitter. Criteria: Invitae Variant Classification Sherloc (09022015). Collection method: clinical testing. Allele origin: germline.
Comment: This sequence change replaces methionine with valine at codon 391 of the GAN protein (p.Met391Val). The methionine residue is moderately conserved and there is a small physicochemical difference between methionine and valine. This variant is present in population databases (rs367600164, ExAC 0.003%). This variant has not been reported in the literature in individuals affected with GAN-related conditions. ClinVar contains an entry for this variant (Variation ID: 453094). Algorithms developed to predict the effect of missense changes on protein structure and function (SIFT, PolyPhen-2, Align-GVGD) all suggest that this variant is likely to be tolerated. In summary, the available evidence is currently insufficient to determine the role of this variant in disease. Therefore, it has been classified as a Variant of Uncertain Significance.

GeneDx
Classification: Uncertain significance. Last evaluated: 2017-10-27. Review status: criteria provided, single submitter. Criteria: GeneDx Variant Classification (06012015). Collection method: clinical testing. Allele origin: germline. Affected: yes.
Comment: The M391V variant has notbeen published as a pathogenic variant, nor has it been reported as a benign variant to our knowledge. This variant is not observed at a significant frequency in large population cohorts (Lek et al., 2016).The M391V variant is a conservative amino acid substitution, which is not likely to impact secondary protein structure as these residues share similar properties. This substitution occurs at a position whereamino acids with similar properties to Methionine are tolerated across species, and Valine has beenseen at this position in evolution. In silico analysis predicts this variant likely does not alter theprotein structure/function. Therefore, based on the currently available information, it is unclearwhether this variant is a pathogenic variant or a rare benign variant.

NM_022041.4(GAN):c.1171A>G (p.Met391Val)

Gene: GAN (gigaxonin; plus strand). Cytogenetic location: 16q23.2.
Variant type: single nucleotide variant.
Coding change: c.1171A>G on transcript NM_022041.4 (MANE Select); coding-DNA position 1171, A replaced by G.
Protein change: p.Met391Val; replaces methionine 391 with valine.
Molecular consequence: missense variant.
Genome position (GRCh38, 1-based): chr16:81,363,878, A>G. VCF-style: chr16-81363878-A-G. GRCh37 (hg19) VCF-style: chr16-81397483-A-G.
Other names: c.532A>G, p.Met178Val (NM_001377486.1); short protein forms M391V, M178V.
Identifiers: ClinVar variation 453094 (VCV000453094.8), dbSNP rs367600164, ClinGen allele CA8191639.
Genomic context (GRCh38, chr16:81,363,878, plus strand): 5'-GAGATAGATGGGATGCTGTACATTTTGGGAGGAGAGGATGGTGAAAAGGAGCTGATTTCC[A>G]TGGAGTGTTACGATATTTATTCTAAAACCTGGACAAAGCAACCTGATTTGACCATGGTCA-3'
Protein context (NP_071324.1, residues 381-401): GEDGEKELIS[Met391Val]ECYDIYSKTW